The following is an entry in ClinVar:

ClinVar aggregate classification (germline): Uncertain significance (1 of 4 stars; one submission).

Submission:

Labcorp Genetics (formerly Invitae), Labcorp
Classification: Uncertain significance. Last evaluated: 2022-02-17. Review status: criteria provided, single submitter. Criteria: Invitae Variant Classification Sherloc (09022015). Collection method: clinical testing. Allele origin: germline.
Comment: In summary, the available evidence is currently insufficient to determine the role of this variant in disease. Therefore, it has been classified as a Variant of Uncertain Significance. Algorithms developed to predict the effect of sequence changes on RNA splicing suggest that this variant may disrupt the consensus splice site. This variant has not been reported in the literature in individuals affected with CABP4-related conditions. This variant is not present in population databases (gnomAD no frequency). This sequence change falls in intron 1 of the CABP4 gene. It does not directly change the encoded amino acid sequence of the CABP4 protein.

NM_145200.5(CABP4):c.366+7T>C

Gene: CABP4 (calcium binding protein 4; plus strand). Cytogenetic location: 11q13.2.
Variant type: single nucleotide variant.
Coding change: c.366+7T>C on transcript NM_145200.5 (MANE Select); 7 bases into the intron after coding-DNA position 366, T replaced by C.
Molecular consequence: intron variant.
Genome position (GRCh38, 1-based): chr11:67,455,796, T>C. VCF-style: chr11-67455796-T-C. GRCh37 (hg19) VCF-style: chr11-67223267-T-C.
Other names: c.-32+7T>C (NM_001379183.1, NM_001300896.3); c.-18+7T>C (NM_001300895.3).
Identifiers: ClinVar variation 2098095 (VCV002098095.4), dbSNP rs2495636325, ClinGen allele CA2580084629.